The following is an entry in ClinVar:

ClinVar aggregate classification (germline): Uncertain significance (1 of 4 stars; one submission).

Conditions:
Familial thoracic aortic aneurysm and aortic dissection (TAAD). Also called: Thoracic aortic aneurysms and dissections. Identifiers: Orphanet 91387, MedGen C4707243, MONDO:0019625.

Submission:

Ambry Genetics
Classification: Uncertain significance for Familial thoracic aortic aneurysm and aortic dissection. Last evaluated: 2022-12-23. Review status: criteria provided, single submitter. Criteria: Ambry Variant Classification Scheme 2023. Collection method: clinical testing. Allele origin: germline.
Comment: The p.E1589G variant (also known as c.4766A>G), located in coding exon 32 of the MYH11 gene, results from an A to G substitution at nucleotide position 4766. The glutamic acid at codon 1589 is replaced by glycine, an amino acid with similar properties. This amino acid position is conserved. In addition, this alteration is predicted to be deleterious by in silico analysis. Since supporting evidence is limited at this time, the clinical significance of this alteration remains unclear.

NM_002474.3(MYH11):c.4766A>G (p.Glu1589Gly)

Genes: NDE1 (nudE neurodevelopment protein 1; plus strand), MYH11 (myosin heavy chain 11; minus strand). Cytogenetic location: 16p13.11.
Variant type: single nucleotide variant.
Coding change: c.4766A>G on transcript NM_002474.3 (MANE Select); coding-DNA position 4766, A replaced by G.
Protein change: p.Glu1589Gly; replaces glutamic acid 1589 with glycine.
Molecular consequence: missense variant. On other transcripts: intron variant (2).
Genome position (GRCh38, 1-based): chr16:15,720,864, T>C on the plus strand (A>G on the coding strand, the complement: MYH11 is on the minus strand). VCF-style: chr16-15720864-T-C. GRCh37 (hg19) VCF-style: chr16-15814721-T-C.
Other names: c.4787A>G, p.Glu1596Gly (NM_001040113.2, NM_001040114.2); c.4766A>G, p.Glu1589Gly (NM_022844.3); c.948-3327T>C (NM_001143979.2, NM_017668.3); short protein forms E1596G, E1589G.
Identifiers: ClinVar variation 2448075 (VCV002448075.2), dbSNP rs1464537184, ClinGen allele CA394853437.
Genomic context (GRCh38, chr16:15,720,864, plus strand): 5'-GACCTCCCTCTGCTGGCCTCCCCGGCAGCACGCACCTGTCTCTGCAGTTGCCTCCTCTTC[T>C]CCTCATTCTGCTCGTCCCGGGCTTGGAGATCCCTTTCGAACTGGCCCTTGAGCGCCTGCA-3'
Protein context (NP_002465.1, residues 1579-1599): DLQARDEQNE[Glu1589Gly]KRRQLQRQLH